The following is an entry in ClinVar:

ClinVar aggregate classification (germline): Uncertain significance. Review status: criteria provided, multiple submitters, no conflicts (2 of 4 stars). 2 submissions from 2 submitters: Uncertain significance (2). Last evaluated 2026-01-05.

Conditions:
Inborn genetic diseases. Identifiers: MedGen C0950123, MeSH D030342.
Primary ciliary dyskinesia. Also called: Ciliary dyskinesia. Identifiers: Orphanet 244, MedGen C0008780, MONDO:0016575, HP:0012265.

Allele frequency attached by ClinVar (database versions not stated): gnomAD 0.00012 and 0.00013; TOPMed 0.00014; ESP Exome Variant Server 0.00015; gnomAD exomes 0.00017; ExAC 0.00019.

Submissions (2):

Labcorp Genetics (formerly Invitae), Labcorp
Classification: Uncertain significance for Primary ciliary dyskinesia. Last evaluated: 2026-01-05. Review status: criteria provided, single submitter. Criteria: Invitae Variant Classification Sherloc (09022015). Collection method: clinical testing. Allele origin: germline.
Comment: This sequence change replaces glycine, which is neutral and non-polar, with arginine, which is basic and polar, at codon 144 of the RSPH1 protein (p.Gly144Arg). This variant is present in population databases (rs201489134, gnomAD 0.03%). This variant has not been reported in the literature in individuals affected with RSPH1-related conditions. ClinVar contains an entry for this variant (Variation ID: 934366). An algorithm developed to predict the effect of missense changes on protein structure and function (PolyPhen-2) suggests that this variant is likely to be disruptive. In summary, the available evidence is currently insufficient to determine the role of this variant in disease. Therefore, it has been classified as a Variant of Uncertain Significance.

Ambry Genetics
Classification: Uncertain significance for Inborn genetic diseases. Last evaluated: 2021-09-16. Review status: criteria provided, single submitter. Criteria: Ambry Variant Classification Scheme 2023. Collection method: clinical testing. Allele origin: germline.

NM_080860.4(RSPH1):c.430G>A (p.Gly144Arg)

Gene: RSPH1 (radial spoke head component 1; minus strand). Cytogenetic location: 21q22.3.
Variant type: single nucleotide variant.
Coding change: c.430G>A on transcript NM_080860.4 (MANE Select); coding-DNA position 430, G replaced by A.
Protein change: p.Gly144Arg; replaces glycine 144 with arginine.
Molecular consequence: missense variant.
Genome position (GRCh38, 1-based): chr21:42,485,740, C>T on the plus strand (G>A on the coding strand, the complement: RSPH1 is on the minus strand). VCF-style: chr21-42485740-C-T. GRCh37 (hg19) VCF-style: chr21-43905850-C-T.
Other names: c.430G>A (NM_080860.2); c.316G>A, p.Gly106Arg (NM_001286506.2); short protein forms G144R, G106R.
Identifiers: ClinVar variation 934366 (VCV000934366.7), dbSNP rs201489134, ClinGen allele CA10043939.